The following is an entry in ClinVar:

ClinVar aggregate classification (germline): Uncertain significance (1 of 4 stars; one submission).

gnomAD v4.1: 139 of 1,598,642 alleles (0.0087%); highest among the groups gnomAD compares: Admixed American, 0.22%; 1 homozygote.

Submission:

CeGaT Center for Human Genetics Tuebingen
Classification: Uncertain significance. Last evaluated: 2026-06-01. Review status: criteria provided, single submitter. Criteria: CeGaT Center For Human Genetics Tuebingen Variant Classification Criteria Version 2. Collection method: clinical testing. Allele origin: germline. Affected: yes. Observed: 1 variant allele.
Comment: VPS41: PM2, BP4

NM_014396.4(VPS41):c.61-4G>T

Gene: VPS41 (VPS41 subunit of HOPS complex; minus strand). Cytogenetic location: 7p14.1.
Variant type: single nucleotide variant.
Coding change: c.61-4G>T on transcript NM_014396.4 (MANE Select); 4 bases into the intron before coding-DNA position 61, G replaced by T.
Molecular consequence: intron variant.
Genome position (GRCh38, 1-based): chr7:38,869,257, C>A on the plus strand (G>T on the coding strand, the complement: VPS41 is on the minus strand). VCF-style: chr7-38869257-C-A. GRCh37 (hg19) VCF-style: chr7-38908857-C-A.
Other names: c.61-4G>T (NM_080631.4).
Identifiers: ClinVar variation 4872830 (VCV004872830.2).